The following is an entry in ClinVar:

ClinVar aggregate classification (germline): Uncertain significance. Review status: criteria provided, multiple submitters, no conflicts (2 of 4 stars). 2 submissions from 2 submitters: Uncertain significance (2). Last evaluated 2025-04-18.

Conditions:
Inborn genetic diseases. Identifiers: MedGen C0950123, MeSH D030342.

Allele frequency attached by ClinVar (database versions not stated): gnomAD 0.00001; gnomAD exomes 0.00001; TOPMed 0.00001; ExAC 0.00002.

Submissions (2):

Ambry Genetics
Classification: Uncertain significance for Inborn genetic diseases. Last evaluated: 2025-04-18. Review status: criteria provided, single submitter. Criteria: Ambry Variant Classification Scheme 2023. Collection method: clinical testing. Allele origin: germline.

Labcorp Genetics (formerly Invitae), Labcorp
Classification: Uncertain significance. Last evaluated: 2022-02-11. Review status: criteria provided, single submitter. Criteria: Invitae Variant Classification Sherloc (09022015). Collection method: clinical testing. Allele origin: germline.
Comment: In summary, the available evidence is currently insufficient to determine the role of this variant in disease. Therefore, it has been classified as a Variant of Uncertain Significance. Algorithms developed to predict the effect of missense changes on protein structure and function output the following: SIFT: "Tolerated"; PolyPhen-2: "Benign"; Align-GVGD: "Class C0". The threonine amino acid residue is found in multiple mammalian species, which suggests that this missense change does not adversely affect protein function. This variant has not been reported in the literature in individuals affected with IARS2-related conditions. This variant is present in population databases (rs778458751, gnomAD 0.004%). This sequence change replaces isoleucine, which is neutral and non-polar, with threonine, which is neutral and polar, at codon 852 of the IARS2 protein (p.Ile852Thr).

NM_018060.4(IARS2):c.2555T>C (p.Ile852Thr)

Gene: IARS2 (isoleucyl-tRNA synthetase 2, mitochondrial; plus strand). Cytogenetic location: 1q41.
Variant type: single nucleotide variant.
Coding change: c.2555T>C on transcript NM_018060.4 (MANE Select); coding-DNA position 2555, T replaced by C.
Protein change: p.Ile852Thr; replaces isoleucine 852 with threonine.
Molecular consequence: missense variant.
Genome position (GRCh38, 1-based): chr1:220,141,943, T>C. VCF-style: chr1-220141943-T-C. GRCh37 (hg19) VCF-style: chr1-220315285-T-C.
Other names: c.2555T>C (NM_018060.3); short protein forms I852T.
Identifiers: ClinVar variation 2190386 (VCV002190386.5), dbSNP rs778458751, ClinGen allele CA1401799.